The following is an entry in ClinVar:

NM_052872.4(IL17F):c.391C>T (p.Arg131Trp)

Gene: IL17F (interleukin 17F; minus strand). Cytogenetic location: 6p12.2.
Variant type: single nucleotide variant.
Coding change: c.391C>T on transcript NM_052872.4 (MANE Select); coding-DNA position 391, C replaced by T.
Protein change: p.Arg131Trp; replaces arginine 131 with tryptophan.
Molecular consequence: missense variant.
Genome position (GRCh38, 1-based): chr6:52,237,032, G>A on the plus strand (C>T on the coding strand, the complement: IL17F is on the minus strand). VCF-style: chr6-52237032-G-A. GRCh37 (hg19) VCF-style: chr6-52101830-G-A.
Other names: short protein forms R131W.
Identifiers: ClinVar variation 660654 (VCV000660654.11), dbSNP rs147873628, ClinGen allele CA3854361.

ClinVar aggregate classification (germline): Uncertain significance (1 of 4 stars; one submission).

Conditions:
Candidiasis, familial, 6 (CANDF6). Also called: Candidiasis, familial, 6, autosomal dominant. Identifiers: Orphanet 1334, MedGen C3151405, MONDO:0013503, OMIM 613956.

Allele frequency attached by ClinVar (database versions not stated): ExAC 0.00008; ESP Exome Variant Server 0.00008; gnomAD exomes 0.00009 and 0.00022; TOPMed 0.00012; gnomAD 0.00013 and 0.00014; 1000 Genomes Project 30x 0.00016; 1000 Genomes Project 0.00020.
gnomAD v4.1: 338 of 1,614,182 alleles (0.021%); highest among the groups gnomAD compares: Non-Finnish European, 0.027%; no homozygotes.

Submission:

Labcorp Genetics (formerly Invitae), Labcorp
Classification: Uncertain significance for Candidiasis, familial, 6. Last evaluated: 2025-11-16. Review status: criteria provided, single submitter. Criteria: Invitae Variant Classification Sherloc (09022015). Collection method: clinical testing. Allele origin: germline.
Comment: This sequence change replaces arginine, which is basic and polar, with tryptophan, which is neutral and slightly polar, at codon 131 of the IL17F protein (p.Arg131Trp). This variant is present in population databases (rs147873628, gnomAD 0.02%). This missense change has been observed in individual(s) with innate immune defects (PMID: 32185379). ClinVar contains an entry for this variant (Variation ID: 660654). An algorithm developed to predict the effect of missense changes on protein structure and function (PolyPhen-2) suggests that this variant is likely to be disruptive. In summary, the available evidence is currently insufficient to determine the role of this variant in disease. Therefore, it has been classified as a Variant of Uncertain Significance.

Literature cited by the submitters: PubMed 32185379.